The following is an entry in ClinVar:

NM_001852.4(COL9A2):c.68C>T (p.Ala23Val)

Gene: COL9A2 (collagen type IX alpha 2 chain; minus strand). Cytogenetic location: 1p34.2.
Variant type: single nucleotide variant.
Coding change: c.68C>T on transcript NM_001852.4 (MANE Select); coding-DNA position 68, C replaced by T.
Protein change: p.Ala23Val; replaces alanine 23 with valine.
Molecular consequence: missense variant.
Genome position (GRCh38, 1-based): chr1:40,317,130, G>A on the plus strand (C>T on the coding strand, the complement: COL9A2 is on the minus strand). VCF-style: chr1-40317130-G-A. GRCh37 (hg19) VCF-style: chr1-40782802-G-A.
Other names: short protein forms A23V.
Identifiers: ClinVar variation 4775092 (VCV004775092.1).

ClinVar aggregate classification (germline): Uncertain significance (1 of 4 stars; one submission).

gnomAD v4.1: 4 of 1,578,254 alleles (0.00025%); highest among the groups gnomAD compares: Non-Finnish European, 0.00034%; no homozygotes.

Submission:

Labcorp Genetics (formerly Invitae), Labcorp
Classification: Uncertain significance. Last evaluated: 2025-07-27. Review status: criteria provided, single submitter. Criteria: Invitae Variant Classification Sherloc (09022015). Collection method: clinical testing. Allele origin: germline.
Comment: This sequence change replaces alanine, which is neutral and non-polar, with valine, which is neutral and non-polar, at codon 23 of the COL9A2 protein (p.Ala23Val). The frequency data for this variant in the population databases is considered unreliable, as metrics indicate poor data quality at this position in the gnomAD database. This variant has not been reported in the literature in individuals affected with COL9A2-related conditions. Invitae Evidence Modeling of protein sequence and biophysical properties (such as structural, functional, and spatial information, amino acid conservation, physicochemical variation, residue mobility, and thermodynamic stability) indicates that this missense variant is not expected to disrupt COL9A2 protein function with a negative predictive value of 95%. In summary, the available evidence is currently insufficient to determine the role of this variant in disease. Therefore, it has been classified as a Variant of Uncertain Significance.